The following is an entry in ClinVar:

NM_000051.4(ATM):c.3285-5T>G

Gene: ATM (ATM serine/threonine kinase; plus strand). Cytogenetic location: 11q22.3.
Variant type: single nucleotide variant.
Coding change: c.3285-5T>G on transcript NM_000051.4 (MANE Select); 5 bases into the intron before coding-DNA position 3285, T replaced by G.
Molecular consequence: intron variant.
Genome position (GRCh38, 1-based): chr11:108,279,486, T>G. VCF-style: chr11-108279486-T-G. GRCh37 (hg19) VCF-style: chr11-108150213-T-G.
Other names: c.3285-5T>G (NM_001351834.2).
Identifiers: ClinVar variation 2625008 (VCV002625008.2), dbSNP rs876659715, ClinGen allele CA2582342466.

ClinVar aggregate classification (germline): Uncertain significance (1 of 4 stars; one submission).

Conditions:
Hereditary cancer-predisposing syndrome. Also called: Tumor predisposition; Hereditary Cancer Syndrome; Hereditary neoplastic syndrome; Neoplastic Syndromes, Hereditary. Identifiers: Orphanet 140162, MedGen C0027672, MeSH D009386, MONDO:0015356.

Submission:

Ambry Genetics
Classification: Uncertain significance for Hereditary cancer-predisposing syndrome. Last evaluated: 2023-07-24. Review status: criteria provided, single submitter. Criteria: Ambry Variant Classification Scheme 2023. Collection method: clinical testing. Allele origin: germline.
Comment: The c.3285-5T>G intronic variant results from a T to G substitution 5 nucleotides upstream from coding exon 22 in the ATM gene. This nucleotide position is not well conserved in available vertebrate species. In silico splice site analysis for this alteration is inconclusive. Since supporting evidence is limited at this time, the clinical significance of this alteration remains unclear.